The following is an entry in ClinVar:

NM_005502.4(ABCA1):c.5397C>A (p.Ile1799=)

Gene: ABCA1 (ATP binding cassette subfamily A member 1; minus strand). Cytogenetic location: 9q31.1.
Variant type: single nucleotide variant.
Coding change: c.5397C>A on transcript NM_005502.4 (MANE Select); coding-DNA position 5397, C replaced by A.
Protein change: p.Ile1799=; no amino-acid change (isoleucine 1799 retained).
Molecular consequence: synonymous variant.
Genome position (GRCh38, 1-based): chr9:104,794,496, G>T on the plus strand (C>A on the coding strand, the complement: ABCA1 is on the minus strand). VCF-style: chr9-104794496-G-T. GRCh37 (hg19) VCF-style: chr9-107556777-G-T.
Identifiers: ClinVar variation 2659358 (VCV002659358.24), dbSNP rs760096217, ClinGen allele CA466502501.

ClinVar aggregate classification (germline): Likely benign (1 of 4 stars; one submission).

Submission:

CeGaT Center for Human Genetics Tuebingen
Classification: Likely benign. Last evaluated: 2022-11-01. Review status: criteria provided, single submitter. Criteria: CeGaT Center For Human Genetics Tuebingen Variant Classification Criteria Version 2. Collection method: clinical testing. Allele origin: germline. Affected: yes. Observed: 1 variant allele.
Comment: ABCA1: BP4, BP7